The following is an entry in ClinVar:

ClinVar aggregate classification (germline): Uncertain significance (1 of 4 stars; one submission).

Conditions:
Megaconial type congenital muscular dystrophy (MDCMC). Also called: CHKB-Related Muscular Dystrophy; CHKB-Related Muscle Diseases; MUSCULAR DYSTROPHY, CONGENITAL, WITH MITOCHONDRIAL STRUCTURAL ABNORMALITIES. Identifiers: Orphanet 280671, MedGen C1865233, MONDO:0011246, OMIM 602541.

Allele frequency attached by ClinVar (database versions not stated): ExAC 0.00001; gnomAD 0.00001; gnomAD exomes 0.00001; TOPMed 0.00001.

Submission:

Labcorp Genetics (formerly Invitae), Labcorp
Classification: Uncertain significance for Megaconial type congenital muscular dystrophy. Last evaluated: 2022-05-03. Review status: criteria provided, single submitter. Criteria: Invitae Variant Classification Sherloc (09022015). Collection method: clinical testing. Allele origin: germline.
Comment: In summary, the available evidence is currently insufficient to determine the role of this variant in disease. Therefore, it has been classified as a Variant of Uncertain Significance. Algorithms developed to predict the effect of missense changes on protein structure and function are either unavailable or do not agree on the potential impact of this missense change (SIFT: "Tolerated"; PolyPhen-2: "Probably Damaging"; Align-GVGD: "Class C0"). This variant has not been reported in the literature in individuals affected with CHKB-related conditions. This variant is present in population databases (rs748462496, gnomAD 0.002%). This sequence change replaces alanine, which is neutral and non-polar, with valine, which is neutral and non-polar, at codon 172 of the CHKB protein (p.Ala172Val).

NM_005198.5(CHKB):c.515C>T (p.Ala172Val)

Genes: CHKB-CPT1B (CHKB-CPT1B readthrough (NMD candidate); minus strand), CHKB (choline kinase beta; minus strand). Cytogenetic location: 22q13.33.
Variant type: single nucleotide variant.
Coding change: c.515C>T on transcript NM_005198.5 (MANE Select); coding-DNA position 515, C replaced by T.
Protein change: p.Ala172Val; replaces alanine 172 with valine.
Molecular consequence: missense variant. On other transcripts: non-coding transcript variant (1).
Genome position (GRCh38, 1-based): chr22:50,581,486, G>A on the plus strand (C>T on the coding strand, the complement: CHKB is on the minus strand). VCF-style: chr22-50581486-G-A. GRCh37 (hg19) VCF-style: chr22-51019915-G-A.
Other names: short protein forms A172V.
Identifiers: ClinVar variation 1972512 (VCV001972512.5), dbSNP rs748462496, ClinGen allele CA10323756.